The following is an entry in ClinVar:

NM_000059.4(BRCA2):c.5092T>C (p.Phe1698Leu)

Gene: BRCA2 (BRCA2 DNA repair associated; plus strand). Cytogenetic location: 13q13.1.
Variant type: single nucleotide variant.
Coding change: c.5092T>C on transcript NM_000059.4 (MANE Select); coding-DNA position 5092, T replaced by C.
Protein change: p.Phe1698Leu; replaces phenylalanine 1698 with leucine.
Molecular consequence: missense variant.
Genome position (GRCh38, 1-based): chr13:32,339,447, T>C. VCF-style: chr13-32339447-T-C. GRCh37 (hg19) VCF-style: chr13-32913584-T-C.
Other names: short protein forms F1698L.
Identifiers: ClinVar variation 825432 (VCV000825432.8), dbSNP rs1593904362, ClinGen allele CA387784103.
Genomic context (GRCh38, chr13:32,339,447, plus strand): 5'-AAAACTTCTGTGAGTCAGACTTCATTACTTGAAGCAAAAAAATGGCTTAGAGAAGGAATA[T>C]TTGATGGTCAACCAGAAAGAATAAATACTGCAGATTATGTAGGAAATTATTTGTATGAAA-3'
Protein context (NP_000050.3, residues 1688-1708): EAKKWLREGI[Phe1698Leu]DGQPERINTA

ClinVar aggregate classification (germline): Conflicting classifications of pathogenicity. Review status: criteria provided, conflicting classifications (1 of 4 stars). 3 submissions from 3 submitters: Uncertain significance (1); Likely benign (2). Last evaluated 2025-12-17.

Conditions:
Hereditary breast ovarian cancer syndrome. Also called: Hereditary breast and ovarian cancer syndrome; Hereditary breast and ovarian cancer; Hereditary breast and ovarian cancer syndrome (HBOC); Breast and ovarian cancer; Hereditary breast and/or ovarian cancer syndrome; BRCA1- and BRCA2-Associated Hereditary Breast and Ovarian Cancer. Identifiers: Orphanet 145, MedGen C0677776, MeSH D061325, MONDO:0003582. Disease mechanism: loss of function.
Hereditary cancer-predisposing syndrome. Also called: Neoplastic Syndromes, Hereditary; Tumor predisposition; Hereditary neoplastic syndrome; Hereditary Cancer Syndrome. Identifiers: Orphanet 140162, MedGen C0027672, MeSH D009386, MONDO:0015356.

Submissions (3):

Labcorp Genetics (formerly Invitae), Labcorp
Classification: Uncertain significance for Hereditary breast ovarian cancer syndrome. Last evaluated: 2025-12-17. Review status: criteria provided, single submitter. Criteria: Invitae Variant Classification Sherloc (09022015). Collection method: clinical testing. Allele origin: germline.
Comment: This sequence change replaces phenylalanine, which is neutral and non-polar, with leucine, which is neutral and non-polar, at codon 1698 of the BRCA2 protein (p.Phe1698Leu). This variant is not present in population databases (gnomAD no frequency). This variant has not been reported in the literature in individuals affected with BRCA2-related conditions. ClinVar contains an entry for this variant (Variation ID: 825432). Invitae Evidence Modeling of protein sequence and biophysical properties (such as structural, functional, and spatial information, amino acid conservation, physicochemical variation, residue mobility, and thermodynamic stability) indicates that this missense variant is not expected to disrupt BRCA2 protein function with a negative predictive value of 95%. In summary, the available evidence is currently insufficient to determine the role of this variant in disease. Therefore, it has been classified as a Variant of Uncertain Significance.

University of Washington Department of Laboratory Medicine, University of Washington
Classification: Likely benign for Hereditary cancer-predisposing syndrome. Last evaluated: 2023-03-23. Review status: criteria provided, single submitter. Criteria: Dines et al. (Genet Med. 2020). Collection method: curation. Allele origin: germline.
Comment: Missense variant in a coldspot region where missense variants are very unlikely to be pathogenic (PMID:31911673).

BRCA2 exon 11 coldspot. Reclassification based on statistical prior probability.

Ambry Genetics
Classification: Likely benign for Hereditary cancer-predisposing syndrome. Last evaluated: 2018-11-16. Review status: criteria provided, single submitter. Criteria: Ambry Variant Classification Scheme 2023. Collection method: clinical testing. Allele origin: germline.